The following is an entry in ClinVar:

NM_000455.5(STK11):c.862+7G>A

Gene: STK11 (serine/threonine kinase 11; plus strand). Cytogenetic location: 19p13.3.
Variant type: single nucleotide variant.
Coding change: c.862+7G>A on transcript NM_000455.5 (MANE Select); 7 bases into the intron after coding-DNA position 862, G replaced by A.
Molecular consequence: intron variant.
Genome position (GRCh38, 1-based): chr19:1,221,347, G>A. VCF-style: chr19-1221347-G-A. GRCh37 (hg19) VCF-style: chr19-1221346-G-A.
Other names: c.862+7G>A (NM_001407255.1).
Identifiers: ClinVar variation 3903834 (VCV003903834.1).

ClinVar aggregate classification (germline): Likely benign (1 of 4 stars; one submission).

Conditions:
Peutz-Jeghers syndrome (PJS). Also called: POLYPOSIS, HAMARTOMATOUS INTESTINAL; POLYPS-AND-SPOTS SYNDROME; Peutz-Jeghers polyposis; Periorificial lentiginosis syndrome. Identifiers: Orphanet 2869, MedGen C0031269, MeSH D010580, MONDO:0008280, OMIM 175200.

Submission:

Myriad Genetics, Inc.
Classification: Likely benign for Peutz-Jeghers syndrome. Last evaluated: 2025-03-27. Review status: criteria provided, single submitter. Criteria: Myriad Autosomal Dominant, Autosomal Recessive and X-Linked Classification Criteria (2023). Collection method: clinical testing. Allele origin: unknown.
Comment: This variant is considered likely benign. This variant is intronic and is not expected to impact mRNA splicing.